The following is an entry in ClinVar:

NM_005751.5(AKAP9):c.7263T>G (p.Phe2421Leu)

Gene: AKAP9 (A-kinase anchoring protein 9; plus strand). Cytogenetic location: 7q21.2.
Variant type: single nucleotide variant.
Coding change: c.7263T>G on transcript NM_005751.5 (MANE Select); coding-DNA position 7263, T replaced by G.
Protein change: p.Phe2421Leu; replaces phenylalanine 2421 with leucine.
Molecular consequence: missense variant.
Genome position (GRCh38, 1-based): chr7:92,079,396, T>G. VCF-style: chr7-92079396-T-G. GRCh37 (hg19) VCF-style: chr7-91708710-T-G.
Other names: c.7263T>G (NM_005751.4); c.1908T>G, p.Phe636Leu (NM_001379277.1); c.7239T>G, p.Phe2413Leu (NM_147185.3); short protein forms F2413L, F2421L, F636L.
Identifiers: ClinVar variation 1051417 (VCV001051417.10), dbSNP rs772230351, ClinGen allele CA4337255.

ClinVar aggregate classification (germline): Uncertain significance. Review status: criteria provided, multiple submitters, no conflicts (2 of 4 stars). 2 submissions from 2 submitters: Uncertain significance (2). Last evaluated 2026-01-06.

Conditions:
Cardiovascular phenotype. Identifiers: MedGen CN230736.
Long QT syndrome (LQTS). Identifiers: MedGen C0023976, MeSH D008133, MONDO:0002442. Disease mechanism: loss of function. Inheritance: Various modes of inheritance.

Allele frequency attached by ClinVar (database versions not stated): ExAC 0.00001; gnomAD exomes 0.00001.

Submissions (2):

Ambry Genetics
Classification: Uncertain significance for Cardiovascular phenotype. Last evaluated: 2026-01-06. Review status: criteria provided, single submitter. Criteria: Ambry Variant Classification Scheme 2023. Collection method: clinical testing. Allele origin: germline.
Comment: The p.F2421L variant (also known as c.7263T>G), located in coding exon 31 of the AKAP9 gene, results from a T to G substitution at nucleotide position 7263. The phenylalanine at codon 2421 is replaced by leucine, an amino acid with highly similar properties. This amino acid position is conserved. In addition, this alteration is predicted to be tolerated by in silico analysis. Based on the available evidence, the clinical significance of this variant remains unclear.

Labcorp Genetics (formerly Invitae), Labcorp
Classification: Uncertain significance for Long QT syndrome. Last evaluated: 2022-03-09. Review status: criteria provided, single submitter. Criteria: Invitae Variant Classification Sherloc (09022015). Collection method: clinical testing. Allele origin: germline.
Comment: ClinVar contains an entry for this variant (Variation ID: 1051417). This variant has not been reported in the literature in individuals affected with AKAP9-related conditions. This variant is present in population databases (rs772230351, gnomAD 0.01%). This sequence change replaces phenylalanine, which is neutral and non-polar, with leucine, which is neutral and non-polar, at codon 2421 of the AKAP9 protein (p.Phe2421Leu). In summary, the available evidence is currently insufficient to determine the role of this variant in disease. Therefore, it has been classified as a Variant of Uncertain Significance. Algorithms developed to predict the effect of missense changes on protein structure and function output the following: SIFT: "Tolerated"; PolyPhen-2: "Benign"; Align-GVGD: "Class C0". The leucine amino acid residue is found in multiple mammalian species, which suggests that this missense change does not adversely affect protein function.